The following is an entry in ClinVar:

NM_001008537.3(NEXMIF):c.784G>T (p.Glu262Ter)

Gene: NEXMIF (neurite extension and migration factor; minus strand). Cytogenetic location: Xq13.3.
Variant type: single nucleotide variant.
Coding change: c.784G>T on transcript NM_001008537.3 (MANE Select); coding-DNA position 784, G replaced by T.
Protein change: p.Glu262Ter; replaces glutamic acid 262 with a stop codon.
Molecular consequence: nonsense.
Genome position (GRCh38, 1-based): chrX:74,743,773, C>A on the plus strand (G>T on the coding strand, the complement: NEXMIF is on the minus strand). VCF-style: chrX-74743773-C-A. GRCh37 (hg19) VCF-style: chrX-73963608-C-A.
Other names: short protein forms E262*.
Identifiers: ClinVar variation 3375785 (VCV003375785.1).
Genomic context (GRCh38, chrX:74,743,773, plus strand): 5'-ACAGCTCATTTTTGGAACAGAGGTCAAGCAGTTCAATCTTACTTTCACTAATAAAAGTCT[C>A]GAAGTAACCCCAATCCTGATTGGAATTTGCAAGCAAAGCTTCTTCTGTATTGCACTTGTC-3'

ClinVar aggregate classification (germline): Pathogenic (1 of 4 stars; one submission).

Submission:

GeneDx
Classification: Pathogenic. Last evaluated: 2024-05-10. Review status: criteria provided, single submitter. Criteria: GeneDx Variant Classification Process June 2021. Collection method: clinical testing. Allele origin: germline. Affected: yes.
Comment: Nonsense variant predicted to result in protein truncation or nonsense mediated decay in a gene for which loss of function is a known mechanism of disease; Not observed at significant frequency in large population cohorts (gnomAD); This variant is associated with the following publications: (PMID: 35982159, 33144681, 33057194)